The following is an entry in ClinVar:

ClinVar aggregate classification (germline): Uncertain significance. Review status: criteria provided, multiple submitters, no conflicts (2 of 4 stars). 3 submissions from 3 submitters: Uncertain significance (3). Last evaluated 2025-08-25.

Conditions:
Hereditary cancer-predisposing syndrome. Also called: Neoplastic Syndromes, Hereditary; Tumor predisposition; Hereditary Cancer Syndrome; Hereditary neoplastic syndrome. Identifiers: Orphanet 140162, MedGen C0027672, MeSH D009386, MONDO:0015356.
Ataxia-telangiectasia-like disorder (ATLD). Identifiers: MedGen C1858391, MONDO:0011457.
Ataxia-telangiectasia-like disorder 1 (ATLD1). Identifiers: Orphanet 251347, MedGen C4012790, MONDO:0024557, OMIM 604391.

Allele frequency attached by ClinVar (database versions not stated): gnomAD exomes below 0.00001; TOPMed below 0.00001.
gnomAD v4.1: 1 of 1,613,814 alleles (0.000062%); highest among the groups gnomAD compares: Non-Finnish European, 0.000085%; no homozygotes.

Submissions (3):

Ambry Genetics
Classification: Uncertain significance for Hereditary cancer-predisposing syndrome. Last evaluated: 2025-08-25. Review status: criteria provided, single submitter. Criteria: Ambry Variant Classification Scheme 2023. Collection method: clinical testing. Allele origin: germline.
Comment: The p.D394H variant (also known as c.1180G>C), located in coding exon 10 of the MRE11A gene, results from a G to C substitution at nucleotide position 1180. The aspartic acid at codon 394 is replaced by histidine, an amino acid with similar properties. This amino acid position is highly conserved in available vertebrate species. In addition, this alteration is predicted to be deleterious by in silico analysis. Since supporting evidence is limited at this time, the clinical significance of this alteration remains unclear.

Baylor Genetics
Classification: Uncertain significance for Ataxia-telangiectasia-like disorder 1. Last evaluated: 2023-01-04. Review status: criteria provided, single submitter. Criteria: ACMG Guidelines, 2015. Collection method: clinical testing. Allele origin: unknown.

Labcorp Genetics (formerly Invitae), Labcorp
Classification: Uncertain significance for Ataxia-telangiectasia-like disorder. Last evaluated: 2022-11-25. Review status: criteria provided, single submitter. Criteria: Invitae Variant Classification Sherloc (09022015). Collection method: clinical testing. Allele origin: germline.
Comment: In summary, the available evidence is currently insufficient to determine the role of this variant in disease. Therefore, it has been classified as a Variant of Uncertain Significance. Algorithms developed to predict the effect of missense changes on protein structure and function (SIFT, PolyPhen-2, Align-GVGD) all suggest that this variant is likely to be disruptive. This variant is not present in population databases (gnomAD no frequency). This variant has not been reported in the literature in individuals affected with MRE11-related conditions. ClinVar contains an entry for this variant (Variation ID: 230401). This sequence change replaces aspartic acid, which is acidic and polar, with histidine, which is basic and polar, at codon 394 of the MRE11 protein (p.Asp394His).

NM_005591.4(MRE11):c.1180G>C (p.Asp394His)

Gene: MRE11 (MRE11 double strand break repair nuclease; minus strand). Cytogenetic location: 11q21.
Variant type: single nucleotide variant.
Coding change: c.1180G>C on transcript NM_005591.4 (MANE Select); coding-DNA position 1180, G replaced by C.
Protein change: p.Asp394His; replaces aspartic acid 394 with histidine.
Molecular consequence: missense variant.
Genome position (GRCh38, 1-based): chr11:94,464,158, C>G on the plus strand (G>C on the coding strand, the complement: MRE11 is on the minus strand). VCF-style: chr11-94464158-C-G. GRCh37 (hg19) VCF-style: chr11-94197324-C-G.
Other names: c.1180G>C, p.Asp394His (NM_001330347.2, NM_005590.4); short protein forms D394H.
Identifiers: ClinVar variation 230401 (VCV000230401.12), dbSNP rs876658546, ClinGen allele CA10579386.